The following is an entry in ClinVar:

NM_014714.4(IFT140):c.3053G>T (p.Arg1018Leu)

Genes: IFT140 (intraflagellar transport 140; minus strand), LOC126862260 (CDK7 strongly-dependent group 2 enhancer GRCh37_chr16:1574508-1575707; plus strand). Cytogenetic location: 16p13.3.
Variant type: single nucleotide variant.
Coding change: c.3053G>T on transcript NM_014714.4 (MANE Select); coding-DNA position 3053, G replaced by T.
Protein change: p.Arg1018Leu; replaces arginine 1018 with leucine.
Molecular consequence: missense variant.
Genome position (GRCh38, 1-based): chr16:1,524,640, C>A on the plus strand (G>T on the coding strand, the complement: IFT140 is on the minus strand). VCF-style: chr16-1524640-C-A. GRCh37 (hg19) VCF-style: chr16-1574641-C-A.
Other names: short protein forms R1018L.
Identifiers: ClinVar variation 2016853 (VCV002016853.4), dbSNP rs761615924, ClinGen allele CA394226019.

ClinVar aggregate classification (germline): Uncertain significance (1 of 4 stars; one submission).

Conditions:
Saldino-Mainzer syndrome (SRTD9). Also called: CONORENAL SYNDROME; Renal dysplasia, retinal pigmentary dystrophy, cerebellar ataxia and skeletal dysplasia; SHORT-RIB THORACIC DYSPLASIA 9 WITHOUT POLYDACTYLY; short-rib thoracic dysplasia 9 with or without polydactyly. Identifiers: Orphanet 140969, MedGen C1849437, MONDO:0009964, OMIM 266920.

Submission:

Labcorp Genetics (formerly Invitae), Labcorp
Classification: Uncertain significance for Saldino-Mainzer syndrome. Last evaluated: 2022-07-14. Review status: criteria provided, single submitter. Criteria: Invitae Variant Classification Sherloc (09022015). Collection method: clinical testing. Allele origin: germline.
Comment: This sequence change replaces arginine, which is basic and polar, with leucine, which is neutral and non-polar, at codon 1018 of the IFT140 protein (p.Arg1018Leu). This variant is not present in population databases (gnomAD no frequency). This variant has not been reported in the literature in individuals affected with IFT140-related conditions. Algorithms developed to predict the effect of missense changes on protein structure and function are either unavailable or do not agree on the potential impact of this missense change (SIFT: "Deleterious"; PolyPhen-2: "Possibly Damaging"; Align-GVGD: "Class C0"). In summary, the available evidence is currently insufficient to determine the role of this variant in disease. Therefore, it has been classified as a Variant of Uncertain Significance.